The following is an entry in ClinVar:

ClinVar aggregate classification (germline): Uncertain significance (1 of 4 stars; one submission).

Allele frequency attached by ClinVar (database versions not stated): gnomAD 0.00001; TOPMed 0.00001; ExAC 0.00003.
gnomAD v4.1: 22 of 1,609,556 alleles (0.0014%); highest among the groups gnomAD compares: South Asian, 0.016%; no homozygotes.

Submission:

Labcorp Genetics (formerly Invitae), Labcorp
Classification: Uncertain significance. Last evaluated: 2025-04-29. Review status: criteria provided, single submitter. Criteria: Invitae Variant Classification Sherloc (09022015). Collection method: clinical testing. Allele origin: germline.
Comment: This sequence change replaces threonine, which is neutral and polar, with isoleucine, which is neutral and non-polar, at codon 313 of the MYO5B protein (p.Thr313Ile). This variant is present in population databases (rs748007470, gnomAD 0.03%). This variant has not been reported in the literature in individuals affected with MYO5B-related conditions. ClinVar contains an entry for this variant (Variation ID: 1487330). Invitae Evidence Modeling of protein sequence and biophysical properties (such as structural, functional, and spatial information, amino acid conservation, physicochemical variation, residue mobility, and thermodynamic stability) indicates that this missense variant is not expected to disrupt MYO5B protein function with a negative predictive value of 80%. In summary, the available evidence is currently insufficient to determine the role of this variant in disease. Therefore, it has been classified as a Variant of Uncertain Significance.

NM_001080467.3(MYO5B):c.938C>T (p.Thr313Ile)

Gene: MYO5B (myosin VB; minus strand). Cytogenetic location: 18q21.1.
Variant type: single nucleotide variant.
Coding change: c.938C>T on transcript NM_001080467.3 (MANE Select); coding-DNA position 938, C replaced by T.
Protein change: p.Thr313Ile; replaces threonine 313 with isoleucine.
Molecular consequence: missense variant.
Genome position (GRCh38, 1-based): chr18:49,984,726, G>A on the plus strand (C>T on the coding strand, the complement: MYO5B is on the minus strand). VCF-style: chr18-49984726-G-A. GRCh37 (hg19) VCF-style: chr18-47511096-G-A.
Other names: short protein forms T313I.
Identifiers: ClinVar variation 1487330 (VCV001487330.8), dbSNP rs748007470, ClinGen allele CA8961715.